The following is an entry in ClinVar:

NM_000215.4(JAK3):c.915G>C (p.Gln305His)

Gene: JAK3 (Janus kinase 3; minus strand). Cytogenetic location: 19p13.11.
Variant type: single nucleotide variant.
Coding change: c.915G>C on transcript NM_000215.4 (MANE Select); coding-DNA position 915, G replaced by C.
Protein change: p.Gln305His; replaces glutamine 305 with histidine.
Molecular consequence: missense variant.
Genome position (GRCh38, 1-based): chr19:17,841,709, C>G on the plus strand (G>C on the coding strand, the complement: JAK3 is on the minus strand). VCF-style: chr19-17841709-C-G. GRCh37 (hg19) VCF-style: chr19-17952518-C-G.
Other names: short protein forms Q305H.
Identifiers: ClinVar variation 1489949 (VCV001489949.8), dbSNP rs200731212, ClinGen allele CA306139008.

ClinVar aggregate classification (germline): Uncertain significance (1 of 4 stars; one submission).

Conditions:
T-B+ severe combined immunodeficiency due to JAK3 deficiency. Also called: SCID, T CELL-NEGATIVE, B CELL-POSITIVE, NK CELL-NEGATIVE; SCID, autosomal recessive, T-negative/B-positive type. Identifiers: Orphanet 35078, MedGen C1833275, MONDO:0010938, OMIM 600802.

Allele frequency attached by ClinVar (database versions not stated): gnomAD exomes below 0.00001.
gnomAD v4.1: 4 of 1,613,214 alleles (0.00025%); highest among the groups gnomAD compares: Non-Finnish European, 0.00034%; no homozygotes.

Submission:

Labcorp Genetics (formerly Invitae), Labcorp
Classification: Uncertain significance for T-B+ severe combined immunodeficiency due to JAK3 deficiency. Last evaluated: 2021-03-26. Review status: criteria provided, single submitter. Criteria: Invitae Variant Classification Sherloc (09022015). Collection method: clinical testing. Allele origin: germline.
Comment: In summary, the available evidence is currently insufficient to determine the role of this variant in disease. Therefore, it has been classified as a Variant of Uncertain Significance. Advanced modeling of protein sequence and biophysical properties (such as structural, functional, and spatial information, amino acid conservation, physicochemical variation, residue mobility, and thermodynamic stability) performed at Invitae indicates that this missense variant is not expected to disrupt JAK3 protein function. This variant has not been reported in the literature in individuals with JAK3-related conditions. This variant is not present in population databases (ExAC no frequency). This sequence change replaces glutamine with histidine at codon 305 of the JAK3 protein (p.Gln305His). The glutamine residue is moderately conserved and there is a small physicochemical difference between glutamine and histidine.